The following is an entry in ClinVar:

ClinVar aggregate classification (germline): Likely benign (0 of 4 stars; one submission).

Conditions:
WDR81-related disorder. Also called: WDR81-related condition.

Allele frequency attached by ClinVar (database versions not stated): gnomAD 0.00005.

Submission:

PreventionGenetics, part of Exact Sciences
Classification: Likely benign for WDR81-related condition. Last evaluated: 2019-08-27. Review status: no assertion criteria provided. Collection method: clinical testing. Allele origin: germline.
Comment: This variant is classified as likely benign based on ACMG/AMP sequence variant interpretation guidelines (Richards et al. 2015 PMID: 25741868, with internal and published modifications).

NM_001163809.2(WDR81):c.1800C>T (p.Pro600=)

Gene: WDR81 (WD repeat domain 81; plus strand). Cytogenetic location: 17p13.3.
Variant type: single nucleotide variant.
Coding change: c.1800C>T on transcript NM_001163809.2 (MANE Select); coding-DNA position 1800, C replaced by T.
Protein change: p.Pro600=; no amino-acid change (proline 600 retained).
Molecular consequence: synonymous variant. On other transcripts: intron variant (3).
Genome position (GRCh38, 1-based): chr17:1,726,759, C>T. VCF-style: chr17-1726759-C-T. GRCh37 (hg19) VCF-style: chr17-1630053-C-T.
Other names: c.-123-1231C>T (NM_152348.4); c.59-3621C>T (NM_001163673.2); c.-15+1973C>T (NM_001163811.2).
Identifiers: ClinVar variation 3053492 (VCV003053492.2), dbSNP rs772179388, ClinGen allele CA8273076.